The following is an entry in ClinVar:

ClinVar aggregate classification (germline): Uncertain significance (1 of 4 stars; one submission).

Conditions:
Bethlem myopathy 1A. Also called: Bethlem myopathy 1; MYOPATHY, BENIGN CONGENITAL, WITH CONTRACTURES; Bethlem Muscular Dystrophy. Identifiers: Orphanet 610, MedGen CN029274, MONDO:0024530, OMIM 158810.

Allele frequency attached by ClinVar (database versions not stated): ExAC 0.00001; gnomAD exomes 0.00002.
gnomAD v4.1: 21 of 1,612,836 alleles (0.0013%); highest among the groups gnomAD compares: Admixed American, 0.0017%; no homozygotes.

Submission:

Labcorp Genetics (formerly Invitae), Labcorp
Classification: Uncertain significance for Bethlem myopathy 1A. Last evaluated: 2018-04-09. Review status: criteria provided, single submitter. Criteria: Invitae Variant Classification Sherloc (09022015). Collection method: clinical testing. Allele origin: germline.
Comment: In summary, the available evidence is currently insufficient to determine the role of this variant in disease. Therefore, it has been classified as a Variant of Uncertain Significance. Algorithms developed to predict the effect of missense changes on protein structure and function (SIFT, PolyPhen-2, Align-GVGD) all suggest that this variant is likely to be disruptive, but these predictions have not been confirmed by published functional studies and their clinical significance is uncertain. This variant has not been reported in the literature in individuals with COL6A2-related disease. This variant is present in population databases (rs752366811, ExAC 0.006%). This sequence change replaces glycine with aspartic acid at codon 646 of the COL6A2 protein (p.Gly646Asp). The glycine residue is highly conserved and there is a moderate physicochemical difference between glycine and aspartic acid.

NM_001849.4(COL6A2):c.1937G>A (p.Gly646Asp)

Gene: COL6A2 (collagen type VI alpha 2 chain; plus strand). Cytogenetic location: 21q22.3.
Variant type: single nucleotide variant.
Coding change: c.1937G>A on transcript NM_001849.4 (MANE Select); coding-DNA position 1937, G replaced by A.
Protein change: p.Gly646Asp; replaces glycine 646 with aspartic acid.
Molecular consequence: missense variant.
Genome position (GRCh38, 1-based): chr21:46,125,585, G>A. VCF-style: chr21-46125585-G-A. GRCh37 (hg19) VCF-style: chr21-47545499-G-A.
Other names: c.1937G>A, p.Gly646Asp (NM_058175.3, NM_058174.3); short protein forms G646D.
Identifiers: ClinVar variation 575898 (VCV000575898.9), dbSNP rs752366811, ClinGen allele CA10072338.